The following is an entry in ClinVar:

NM_024642.5(GALNT12):c.46C>T (p.Arg16Cys)

Genes: GALNT12 (polypeptide N-acetylgalactosaminyltransferase 12; plus strand), LOC130002222 (ATAC-STARR-seq lymphoblastoid silent region 20123; plus strand). Cytogenetic location: 9q22.33.
Variant type: single nucleotide variant.
Coding change: c.46C>T on transcript NM_024642.5 (MANE Select); coding-DNA position 46, C replaced by T.
Protein change: p.Arg16Cys; replaces arginine 16 with cysteine.
Molecular consequence: missense variant.
Genome position (GRCh38, 1-based): chr9:98,807,744, C>T. VCF-style: chr9-98807744-C-T. GRCh37 (hg19) VCF-style: chr9-101570026-C-T.
Other names: short protein forms R16C.
Identifiers: ClinVar variation 2599056 (VCV002599056.3), dbSNP rs2118255139, ClinGen allele CA374222110.

ClinVar aggregate classification (germline): Uncertain significance (1 of 4 stars; one submission).

Allele frequency attached by ClinVar (database versions not stated): gnomAD exomes 0.00001.
gnomAD v4.1: 8 of 1,187,926 alleles (0.00067%); highest among the groups gnomAD compares: East Asian, 0.0049%; no homozygotes.

Submission:

Ambry Genetics
Classification: Uncertain significance. Last evaluated: 2025-10-06. Review status: criteria provided, single submitter. Criteria: Ambry Variant Classification Scheme 2023. Collection method: clinical testing. Allele origin: germline.
Comment: The p.R16C variant (also known as c.46C>T), located in coding exon 1 of the GALNT12 gene, results from a C to T substitution at nucleotide position 46. The arginine at codon 16 is replaced by cysteine, an amino acid with highly dissimilar properties. This amino acid position is highly conserved in available vertebrate species. In addition, this alteration is predicted to be tolerated by in silico analysis. The evidence for this gene-disease relationship is limited; therefore, the clinical significance of this alteration is unclear.